The following is an entry in ClinVar:

ClinVar aggregate classification (germline): Uncertain significance. Review status: criteria provided, multiple submitters, no conflicts (2 of 4 stars). 2 submissions from 2 submitters: Uncertain significance (2). Last evaluated 2023-06-30.

Conditions:
Hereditary cancer-predisposing syndrome. Also called: Hereditary Cancer Syndrome; Neoplastic Syndromes, Hereditary; Hereditary neoplastic syndrome; Tumor predisposition. Identifiers: Orphanet 140162, MedGen C0027672, MeSH D009386, MONDO:0015356.
DICER1-related tumor predisposition. Also called: DICER1-related pleuropulmonary blastoma cancer predisposition syndrome; DICER1 syndrome. Identifiers: Orphanet 284343, MedGen C3839822, MONDO:0100216.

Allele frequency attached by ClinVar (database versions not stated): gnomAD exomes below 0.00001 and 0.00001; ExAC 0.00001.
gnomAD v4.1: 6 of 1,613,960 alleles (0.00037%); highest among the groups gnomAD compares: South Asian, 0.0044%; no homozygotes.

Submissions (2):

Ambry Genetics
Classification: Uncertain significance for Hereditary cancer-predisposing syndrome. Last evaluated: 2023-06-30. Review status: criteria provided, single submitter. Criteria: Ambry Variant Classification Scheme 2023. Collection method: clinical testing. Allele origin: germline.
Comment: The p.I424T variant (also known as c.1271T>C), located in coding exon 7 of the DICER1 gene, results from a T to C substitution at nucleotide position 1271. The isoleucine at codon 424 is replaced by threonine, an amino acid with similar properties. This amino acid position is not well conserved in available vertebrate species. In addition, the in silico prediction for this alteration is inconclusive. Since supporting evidence is limited at this time, the clinical significance of this alteration remains unclear.

Labcorp Genetics (formerly Invitae), Labcorp
Classification: Uncertain significance for DICER1-related tumor predisposition. Last evaluated: 2021-09-10. Review status: criteria provided, single submitter. Criteria: Invitae Variant Classification Sherloc (09022015). Collection method: clinical testing. Allele origin: germline.
Comment: In summary, the available evidence is currently insufficient to determine the role of this variant in disease. Therefore, it has been classified as a Variant of Uncertain Significance. Algorithms developed to predict the effect of missense changes on protein structure and function (SIFT, PolyPhen-2, Align-GVGD) all suggest that this variant is likely to be tolerated. ClinVar contains an entry for this variant (Variation ID: 818764). This variant has not been reported in the literature in individuals affected with DICER1-related conditions. This variant is present in population databases (rs763512012, ExAC 0.006%). This sequence change replaces isoleucine with threonine at codon 424 of the DICER1 protein (p.Ile424Thr). The isoleucine residue is moderately conserved and there is a moderate physicochemical difference between isoleucine and threonine.

NM_177438.3(DICER1):c.1271T>C (p.Ile424Thr)

Gene: DICER1 (dicer 1, ribonuclease III; minus strand). Cytogenetic location: 14q32.13.
Variant type: single nucleotide variant.
Coding change: c.1271T>C on transcript NM_177438.3 (MANE Select); coding-DNA position 1271, T replaced by C.
Protein change: p.Ile424Thr; replaces isoleucine 424 with threonine.
Molecular consequence: missense variant.
Genome position (GRCh38, 1-based): chr14:95,124,301, A>G on the plus strand (T>C on the coding strand, the complement: DICER1 is on the minus strand). VCF-style: chr14-95124301-A-G. GRCh37 (hg19) VCF-style: chr14-95590638-A-G.
Other names: c.1271T>C, p.Ile424Thr (NM_001195573.1, NM_001271282.3, NM_001291628.2 and 1 more transcripts); short protein forms I424T.
Identifiers: ClinVar variation 818764 (VCV000818764.11), dbSNP rs763512012, ClinGen allele CA7331510.